The following is an entry in ClinVar:

ClinVar aggregate classification (germline): Uncertain significance. Review status: criteria provided, multiple submitters, no conflicts (2 of 4 stars). 2 submissions from 2 submitters: Uncertain significance (2). Last evaluated 2025-12-31.

Submissions (2):

Women's Health and Genetics/Laboratory Corporation of America, LabCorp
Classification: Uncertain significance. Last evaluated: 2025-12-31. Review status: criteria provided, single submitter. Criteria: LabCorp Variant Classification Summary - May 2015. Collection method: clinical testing. Allele origin: germline.
Comment: Variant summary: FBXO28 c.733C>G (p.Leu245Val) results in a conservative amino acid change in the encoded protein sequence. Algorithms developed to predict the effect of missense changes on protein structure and function are either unavailable or do not agree on the potential impact of this missense change. The variant was absent in 249990 control chromosomes. The available data on variant occurrences in the general population are insufficient to allow any conclusion about variant significance. To our knowledge, no occurrence of c.733C>G in individuals affected with FBXO28-related conditions and no experimental evidence demonstrating its impact on protein function have been reported. ClinVar contains an entry for this variant (Variation ID: 3366226). Based on the evidence outlined above, the variant was classified as uncertain significance.

GeneDx
Classification: Uncertain significance. Last evaluated: 2023-10-18. Review status: criteria provided, single submitter. Criteria: GeneDx Variant Classification Process June 2021. Collection method: clinical testing. Allele origin: germline. Affected: yes.
Comment: Not observed at significant frequency in large population cohorts (gnomAD); In silico analysis supports that this missense variant does not alter protein structure/function; Has not been previously published as pathogenic or benign to our knowledge

NM_015176.4(FBXO28):c.733C>G (p.Leu245Val)

Gene: FBXO28 (F-box protein 28; plus strand). Cytogenetic location: 1q42.11.
Variant type: single nucleotide variant.
Coding change: c.733C>G on transcript NM_015176.4 (MANE Select); coding-DNA position 733, C replaced by G.
Protein change: p.Leu245Val; replaces leucine 245 with valine.
Molecular consequence: missense variant. On other transcripts: synonymous variant (1), non-coding transcript variant (1).
Genome position (GRCh38, 1-based): chr1:224,157,372, C>G. VCF-style: chr1-224157372-C-G. GRCh37 (hg19) VCF-style: chr1-224345074-C-G.
Other names: c.537C>G, p.Pro179= (NM_001136115.3); short protein forms L245V.
Identifiers: ClinVar variation 3366226 (VCV003366226.2).
Genomic context (GRCh38, chr1:224,157,372, plus strand): 5'-CATTTTAAGTGACTGACCCTTTTGAATTATTCCTCCACAGTTCCAGGACCGTCTGCAGCC[C>G]TAACAACAATGCAGCTCTTCTCCAAGCAAAATCCTTCAAGACAAGAGGTTACCAAACTCC-3'
Protein context (NP_055991.1, residues 235-255): SPPVPGPSAA[Leu245Val]TTMQLFSKQN